The following is an entry in ClinVar:

ClinVar aggregate classification (germline): Likely benign (1 of 4 stars; one submission).

Conditions:
Arrhythmogenic right ventricular dysplasia 9 (ARVD9). Also called: Arrhythmogenic Right Ventricular Dysplasia/Cardiomyopathy 9; ARRHYTHMOGENIC RIGHT VENTRICULAR DYSPLASIA, FAMILIAL, 9. Identifiers: MedGen C1836906, MONDO:0012180, OMIM 609040.

Allele frequency attached by ClinVar (database versions not stated): 1000 Genomes Project 0.00160; gnomAD 0.00218 and 0.00224; TOPMed 0.00236; 1000 Genomes Project 30x 0.00172.

Submission:

Illumina Laboratory Services, Illumina
Classification: Likely benign for Arrhythmogenic right ventricular dysplasia 9. Last evaluated: 2018-01-13. Review status: criteria provided, single submitter. Criteria: ICSL Variant Classification Criteria 13 December 2019. Collection method: clinical testing. Allele origin: germline.
Comment: This variant was observed in the ICSL laboratory as part of a predisposition screen in an ostensibly healthy population. It had not been previously curated by ICSL or reported in the Human Gene Mutation Database (HGMD: prior to June 1st, 2018), and was therefore a candidate for classification through an automated scoring system. Utilizing variant allele frequency, disease prevalence and penetrance estimates, and inheritance mode, an automated score was calculated to assess if this variant is too frequent to cause the disease. Based on the score and internal cut-off values, a variant classified as likely benign is not then subjected to further curation. The score for this variant resulted in a classification of likely benign for this disease.

NM_001005242.3(PKP2):c.*683T>C

Gene: PKP2 (plakophilin 2; minus strand). Cytogenetic location: 12p11.21.
Variant type: single nucleotide variant.
Coding change: c.*683T>C on transcript NM_001005242.3 (MANE Select); 683 bases downstream of the stop codon, T replaced by C.
Molecular consequence: 3 prime UTR variant.
Genome position (GRCh38, 1-based): chr12:32,791,741, A>G on the plus strand (T>C on the coding strand, the complement: PKP2 is on the minus strand). VCF-style: chr12-32791741-A-G. GRCh37 (hg19) VCF-style: chr12-32944675-A-G.
Other names: c.*683T>C (NM_004572.4).
Identifiers: ClinVar variation 308487 (VCV000308487.5), dbSNP rs144110140, ClinGen allele CA10637296.
Genomic context (GRCh38, chr12:32,791,741, plus strand): 5'-ATCATCACAGTTGCCTTTCTCTGTGGAAAAGATTTTATTTATTTATTTATTTTTTATTTT[A>G]CTTTAAGTTCTGGGAGGAAAAGACTTCTTTAATTTGCTATGATCACTTCCTCTCAATTTC-3'